The following is an entry in ClinVar:

NM_000089.4(COL1A2):c.2330GTG[1] (p.Gly778del)

Gene: COL1A2 (collagen type I alpha 2 chain; plus strand). Cytogenetic location: 7q21.3.
Variant type: Microsatellite.
Coding change: c.2330GTG[1] on transcript NM_000089.4 (MANE Select); one copy of the 3-base unit GTG starting at c.2330; the reference has two copies in a row; one copy, 3 bases deleted.
Protein change: p.Gly778del; deletes glycine 778.
Molecular consequence: inframe deletion.
Genome position (GRCh38, 1-based): chr7:94,421,046-94,421,048, GTG deleted; deleting any 3 consecutive bases within chr7:94,421,043-94,421,048 gives the same sequence; the position shown is the placement nearest the transcript's 3' end. VCF-style (leftmost placement, unchanged base first): chr7-94421042-CGTG-C. GRCh37 (hg19) VCF-style: chr7-94050354-CGTG-C.
Other names: short protein forms G778del.
Identifiers: ClinVar variation 2021589 (VCV002021589.4), dbSNP rs2484726571, ClinGen allele CA2580615965.
Genomic context (GRCh38, chr7:94,421,042, plus strand): 5'-TGACTCCATCTTTTTGTTTGCATTTAGGGTCCAAATGGTCCCCCCGGTCCTGCTGGAAGT[CGTG>C]GTGATGGAGGCCCCCCTGTGAGTATTTACAATGGACTCTCGCCGCTTTTCTTTTTTCAGA-3'

ClinVar aggregate classification (germline): Pathogenic (1 of 4 stars; one submission).

Conditions:
Ehlers-Danlos syndrome, classic type, 1 (EDSCL1). Also called: EHLERS-DANLOS SYNDROME, GRAVIS TYPE; EHLERS-DANLOS SYNDROME, SEVERE CLASSIC TYPE; Ehlers-Danlos syndrome, type 1; EDS I; Ehlers-Danlos Syndrome, Classic Type, COL5A1-Related. Identifiers: MedGen C0268335, MONDO:0019567, OMIM 130000.
Osteogenesis imperfecta type I (OI1). Also called: OI, TYPE I; OSTEOGENESIS IMPERFECTA TARDA; OSTEOGENESIS IMPERFECTA WITH BLUE SCLERAE; Osteogenesis imperfecta type 1; Lobstein's Disease; Lobstein disease. Identifiers: Orphanet 216796, Orphanet 666, MedGen C0023931, MONDO:0008146, OMIM 166200. Disease mechanism: loss of function.

Submission:

Labcorp Genetics (formerly Invitae), Labcorp
Classification: Pathogenic for Osteogenesis imperfecta type I; Ehlers-Danlos syndrome, classic type, 1. Last evaluated: 2022-08-05. Review status: criteria provided, single submitter. Criteria: Invitae Variant Classification Sherloc (09022015). Collection method: clinical testing. Allele origin: germline.
Comment: For these reasons, this variant has been classified as Pathogenic. This variant disrupts the triple helix domain of COL1A2. Glycine residues within the Gly-Xaa-Yaa repeats of the triple helix domain are required for the structure and stability of fibrillar collagens (PMID: 7695699, 8218237, 19344236). In COL1A2, variants affecting these glycine residues are significantly enriched in individuals with disease (PMID: 9016532, 17078022) compared to the general population (ExAC). This variant has been observed in individual(s) with autosomal dominant osteogenesis imperfecta (Invitae). This variant is not present in population databases (gnomAD no frequency). This variant, c.2333_2335del, results in the deletion of 1 amino acid(s) of the COL1A2 protein (p.Gly778del), but otherwise preserves the integrity of the reading frame.

Literature cited by the submitters: PubMed 7695699; PubMed 8218237; PubMed 19344236; PubMed 9016532; PubMed 17078022.